The following is an entry in ClinVar:

NM_000277.3(PAH):c.305T>C (p.Ile102Thr)

Gene: PAH (phenylalanine hydroxylase; minus strand). Cytogenetic location: 12q23.2.
Variant type: single nucleotide variant.
Coding change: c.305T>C on transcript NM_000277.3 (MANE Select); coding-DNA position 305, T replaced by C.
Protein change: p.Ile102Thr; replaces isoleucine 102 with threonine.
Molecular consequence: missense variant.
Genome position (GRCh38, 1-based): chr12:102,894,782, A>G on the plus strand (T>C on the coding strand, the complement: PAH is on the minus strand). VCF-style: chr12-102894782-A-G. GRCh37 (hg19) VCF-style: chr12-103288560-A-G.
Other names: c.305T>C, p.Ile102Thr (NM_001354304.2); short protein forms I102T.
Identifiers: ClinVar variation 102648 (VCV000102648.9), dbSNP rs62508591, ClinGen allele CA229511.

ClinVar aggregate classification (germline): Pathogenic/Likely pathogenic. Review status: criteria provided, multiple submitters, no conflicts (2 of 4 stars). 3 submissions from 3 submitters: Pathogenic (1); Likely pathogenic (1). 1 of the submissions does not count toward it. Last evaluated 2025-03-23.

Conditions:
Phenylketonuria (PKU). Also called: Phenylketonuria (PKU); FOLLING DISEASE; OLIGOPHRENIA PHENYLPYRUVICA; Phenylketonurias. Identifiers: Orphanet 716, MedGen C0031485, MONDO:0009861, OMIM 261600. Disease mechanism: loss of function.

Allele frequency attached by ClinVar (database versions not stated): gnomAD exomes below 0.00001.
gnomAD v4.1: 1 of 1,614,152 alleles (0.000062%); highest among the groups gnomAD compares: Middle Eastern, 0.016%; no homozygotes.

Submissions (3):

Labcorp Genetics (formerly Invitae), Labcorp
Classification: Pathogenic for Phenylketonuria. Last evaluated: 2025-03-23. Review status: criteria provided, single submitter. Criteria: Invitae Variant Classification Sherloc (09022015). Collection method: clinical testing. Allele origin: germline.
Comment: This sequence change replaces isoleucine, which is neutral and non-polar, with threonine, which is neutral and polar, at codon 102 of the PAH protein (p.Ile102Thr). This variant is not present in population databases (gnomAD no frequency). This missense change has been observed in individual(s) with hyperphenylalaninemia (PMID: 30389586, 32668217). ClinVar contains an entry for this variant (Variation ID: 102648). Invitae Evidence Modeling of protein sequence and biophysical properties (such as structural, functional, and spatial information, amino acid conservation, physicochemical variation, residue mobility, and thermodynamic stability) indicates that this missense variant is not expected to disrupt PAH protein function with a negative predictive value of 80%. For these reasons, this variant has been classified as Pathogenic.

Genome-Nilou Lab
Classification: Likely pathogenic for Phenylketonuria. Last evaluated: 2021-07-22. Review status: criteria provided, single submitter. Criteria: ACMG Guidelines, 2015. Collection method: clinical testing. Allele origin: germline. Affected: no.

DeBelle Laboratory for Biochemical Genetics, MUHC/MCH RESEARCH INSTITUTE
No classification provided. Review status: no classification provided. Collection method: not provided. Allele origin: not provided. Not counted in ClinVar's aggregate classification.

Literature cited by the submitters: PubMed 30389586 (cited by Labcorp Genetics (formerly Invitae), Labcorp); PubMed 32668217 (cited by Labcorp Genetics (formerly Invitae), Labcorp).